The following is an entry in ClinVar:

ClinVar aggregate classification (germline): Uncertain significance. Review status: criteria provided, multiple submitters, no conflicts (2 of 4 stars). 2 submissions from 2 submitters: Uncertain significance (2). Last evaluated 2026-03-10.

Conditions:
Idiopathic generalized epilepsy. Also called: EIG; Generalised epilepsy. Identifiers: MedGen C0270850, MONDO:0005579, OMIM 600669.
Epilepsy, idiopathic generalized, susceptibility to, 13. Also called: EPILEPSY, JUVENILE MYOCLONIC, SUSCEPTIBILITY TO, 5. Identifiers: Orphanet 307, Orphanet 64280, MedGen C4013473, MONDO:0012627, OMIM 611136.
Epilepsy, childhood absence 4 (ECA4). Also called: EPILEPSY, CHILDHOOD ABSENCE, SUSCEPTIBILITY TO, 4. Identifiers: Orphanet 307, MedGen C1970160.

Submissions (2):

GeneDx
Classification: Uncertain significance. Last evaluated: 2026-03-10. Review status: criteria provided, single submitter. Criteria: GeneDx Variant Classification Process June 2021. Collection method: clinical testing. Allele origin: germline.
Comment: Not observed at significant frequency in large population cohorts (gnomAD); In silico analysis supports that this missense variant has a deleterious effect on protein structure/function; Has not been previously published as pathogenic or benign to our knowledge

Labcorp Genetics (formerly Invitae), Labcorp
Classification: Uncertain significance for Epilepsy, childhood absence 4; Epilepsy, idiopathic generalized, susceptibility to, 13; Idiopathic generalized epilepsy. Last evaluated: 2025-09-16. Review status: criteria provided, single submitter. Criteria: Invitae Variant Classification Sherloc (09022015). Collection method: clinical testing. Allele origin: germline.
Comment: This sequence change replaces methionine, which is neutral and non-polar, with isoleucine, which is neutral and non-polar, at codon 240 of the GABRA1 protein (p.Met240Ile). This variant is not present in population databases (gnomAD no frequency). This variant has not been reported in the literature in individuals affected with GABRA1-related conditions. Invitae Evidence Modeling of protein sequence and biophysical properties (such as structural, functional, and spatial information, amino acid conservation, physicochemical variation, residue mobility, and thermodynamic stability) indicates that this missense variant is expected to disrupt GABRA1 protein function with a positive predictive value of 80%. In summary, the available evidence is currently insufficient to determine the role of this variant in disease. Therefore, it has been classified as a Variant of Uncertain Significance.

NM_001127644.2(GABRA1):c.720G>A (p.Met240Ile)

Gene: GABRA1 (gamma-aminobutyric acid type A receptor subunit alpha1; plus strand). Cytogenetic location: 5q34.
Variant type: single nucleotide variant.
Coding change: c.720G>A on transcript NM_001127644.2 (MANE Select); coding-DNA position 720, G replaced by A.
Protein change: p.Met240Ile; replaces methionine 240 with isoleucine.
Molecular consequence: missense variant.
Genome position (GRCh38, 1-based): chr5:161,890,914, G>A. VCF-style: chr5-161890914-G-A. GRCh37 (hg19) VCF-style: chr5-161317920-G-A.
Other names: c.720G>A, p.Met240Ile (NM_000806.5, NM_001127643.2, NM_001127645.2 and 1 more transcripts); short protein forms M240I.
Identifiers: ClinVar variation 4789487 (VCV004789487.2).